The following is an entry in ClinVar:

NM_003900.5(SQSTM1):c.415del (p.Arg139fs)

Gene: SQSTM1 (sequestosome 1; plus strand). Cytogenetic location: 5q35.3.
Variant type: Deletion.
Coding change: c.415del on transcript NM_003900.5 (MANE Select); coding-DNA position 415, one base deleted (C; older notation c.415delC).
Protein change: p.Arg139fs; shifts the reading frame from arginine 139.
Molecular consequence: frameshift variant.
Genome position (GRCh38, 1-based): chr5:179,823,971, C deleted; the last of 3 consecutive C bases (chr5:179,823,969-179,823,971); deleting any one gives the same sequence. VCF-style (leftmost placement, unchanged base first): chr5-179823968-AC-A. GRCh37 (hg19) VCF-style: chr5-179250968-AC-A.
Other names: c.163del, p.Arg55fs (NM_001142298.2, NM_001142299.2); short protein forms R139fs, R55fs.
Identifiers: ClinVar variation 1323651 (VCV001323651.10), dbSNP rs2113487920, ClinGen allele CA2573052491.

ClinVar aggregate classification (germline): Pathogenic. Review status: criteria provided, multiple submitters, no conflicts (2 of 4 stars). 3 submissions from 3 submitters: Pathogenic (3). Last evaluated 2025-07-07.

Conditions:
Neurodegeneration with ataxia, dystonia, and gaze palsy, childhood-onset (NADGP). Identifiers: MedGen C4310693, MONDO:0014940, OMIM 617145.
Paget disease of bone 2, early-onset (PDB2). Also called: Paget disease of bone 2. Identifiers: MedGen C4085251, MONDO:0011183, OMIM 602080.
Frontotemporal dementia and/or amyotrophic lateral sclerosis 1 (FTDALS1). Also called: C9orf72 Frontotemporal Dementia and/or Amyotrophic Lateral Sclerosis; Frontotemporal dementia with motor neuron disease 1. Identifiers: Orphanet 275872, MedGen C5779877, MONDO:0007105, OMIM 105550.

Submissions (3):

3billion
Classification: Pathogenic for Neurodegeneration with ataxia, dystonia, and gaze palsy, childhood-onset. Last evaluated: 2025-07-07. Review status: criteria provided, single submitter. Criteria: ACMG Guidelines, 2015. Collection method: clinical testing. Allele origin: germline. Affected: yes.
Comment: The variant is not observed in the gnomAD v4.1.0 dataset. Predicted Consequence/Location: Frameshift: predicted to result in a loss or disruption of normal protein function through nonsense-mediated decay (NMD) or protein truncation. Multiple pathogenic variants are reported downstream of the variant. The variant has been reported at least twice as pathogenic without evidence for the classification (ClinVar ID: VCV001323651 /3billion dataset). Therefore, this variant is classified as Pathogenic according to the recommendation of ACMG/AMP guideline.

Labcorp Genetics (formerly Invitae), Labcorp
Classification: Pathogenic for Paget disease of bone 2, early-onset; Frontotemporal dementia and/or amyotrophic lateral sclerosis 1. Last evaluated: 2022-05-13. Review status: criteria provided, single submitter. Criteria: Invitae Variant Classification Sherloc (09022015). Collection method: clinical testing. Allele origin: germline.
Comment: For these reasons, this variant has been classified as Pathogenic. ClinVar contains an entry for this variant (Variation ID: 1323651). This variant has not been reported in the literature in individuals affected with SQSTM1-related conditions. This variant is not present in population databases (gnomAD no frequency). This sequence change creates a premature translational stop signal (p.Arg139Alafs*50) in the SQSTM1 gene. It is expected to result in an absent or disrupted protein product. Loss-of-function variants in SQSTM1 are known to be pathogenic (PMID: 27545679, 29959261).

Revvity Omics, Revvity
Classification: Pathogenic. Last evaluated: 2020-03-09. Review status: criteria provided, single submitter. Criteria: ACMG Guidelines, 2015. Collection method: clinical testing. Allele origin: germline.

Literature cited by the submitters: PubMed 27545679 (cited by Labcorp Genetics (formerly Invitae), Labcorp); PubMed 29959261 (cited by Labcorp Genetics (formerly Invitae), Labcorp).